The following is an entry in ClinVar:

NM_001080453.3(INTS1):c.2977-5C>T

Gene: INTS1 (integrator complex subunit 1; minus strand). Cytogenetic location: 7p22.3.
Variant type: single nucleotide variant.
Coding change: c.2977-5C>T on transcript NM_001080453.3 (MANE Select); 5 bases into the intron before coding-DNA position 2977, C replaced by T.
Molecular consequence: intron variant.
Genome position (GRCh38, 1-based): chr7:1,485,474, G>A on the plus strand (C>T on the coding strand, the complement: INTS1 is on the minus strand). VCF-style: chr7-1485474-G-A. GRCh37 (hg19) VCF-style: chr7-1525110-G-A.
Other names: c.2977-5C>T (NM_001080453.2).
Identifiers: ClinVar variation 1305344 (VCV001305344.9), dbSNP rs375479765, ClinGen allele CA4119517.

ClinVar aggregate classification (germline): Uncertain significance. Review status: criteria provided, multiple submitters, no conflicts (2 of 4 stars). 5 submissions from 5 submitters: Uncertain significance (4). 1 of the submissions does not count toward it. Last evaluated 2021-08-19.

Conditions:
Inborn genetic diseases. Identifiers: MedGen C0950123, MeSH D030342.
Neurodevelopmental disorder with cataracts, poor growth, and dysmorphic facies. Identifiers: MedGen C5231414, MONDO:0032817, OMIM 618571.

Allele frequency attached by ClinVar (database versions not stated): gnomAD exomes 0.00035 and 0.00045; TOPMed 0.00042; ExAC 0.00043; ESP Exome Variant Server 0.00016; gnomAD 0.00038 and 0.00037.
gnomAD v4.1: 585 of 1,611,482 alleles (0.036%); highest among the groups gnomAD compares: Middle Eastern, 0.2%; 1 homozygote.

Submissions (5):

Ambry Genetics
Classification: Uncertain significance for Inborn genetic diseases. Last evaluated: 2021-08-19. Review status: criteria provided, single submitter. Criteria: Ambry Variant Classification Scheme 2023. Collection method: clinical testing. Allele origin: germline.
Comment: The c.2977-5C>T intronic alteration consists of a C to T substitution 5 nucleotides before exon 23 (coding exon 22) of the INTS1 gene. Based on insufficient or conflicting evidence, the clinical significance of this alteration remains unclear.

GeneDx
Classification: Uncertain significance. Last evaluated: 2019-05-01. Review status: criteria provided, single submitter. Criteria: GeneDx Variant Classification Process June 2021. Collection method: clinical testing. Allele origin: germline. Affected: yes.
Comment: Has not been previously published as pathogenic or benign to our knowledge; In-silico analysis, which includes splice predictors and evolutionary conservation, is inconclusive as to whether the variant alters gene splicing. In the absence of RNA/functional studies, the actual effect of this sequence change is unknown.

Breakthrough Genomics
Classification: Uncertain significance. Review status: criteria provided, single submitter. Criteria: ACMG Guidelines, 2015. Collection method: not provided. Allele origin: germline. Inheritance: Autosomal recessive inheritance. Affected: yes.

Neuberg Centre For Genomic Medicine, NCGM
Classification: Uncertain significance for Neurodevelopmental disorder with cataracts, poor growth, and dysmorphic facies. Review status: criteria provided, single submitter. Criteria: ACMG Guidelines, 2015. Collection method: clinical testing. Allele origin: germline. Inheritance: Autosomal recessive inheritance. Affected: yes.
Comment: The splice region c.2977-5C>T variant in INTS1 gene has not been reported previously as a pathogenic variant nor as a benign variant, to our knowledge. The observed variant has allele frequency of 0.04% in gnomAD exomes database. This variant has been submitted to the ClinVar database as Uncertain Significance. SpliceAI predicts score of 0.01 for this variant. For these reasons, this variant has been classified as Uncertain Significance (VUS).

Hong-Tao Li Lab, Institute of Brain Science and Brain-inspired Research, Shandong First Medical University & Shandong Academy of Medical Sciences China
Classification: Uncertain significance for Neurodevelopmental disorder with cataracts, poor growth, and dysmorphic facies. Review status: no assertion criteria provided. Collection method: research. Allele origin: germline. Inheritance: Autosomal recessive inheritance. Affected: yes. Observed: 1 variant allele, 1 homozygote. Not counted in ClinVar's aggregate classification.
Comment: Observed in affected individuals from a Pakistani neurodevelopmental-disorder research cohort of 263 individuals. Classification assigned using the ACMG/AMP framework. Population-frequency evidence: gnomAD AF 0.000417.